The following is an entry in ClinVar:

NM_001353921.2(ARHGEF9):c.223C>A (p.Gln75Lys)

Gene: ARHGEF9 (Cdc42 guanine nucleotide exchange factor 9; minus strand). Cytogenetic location: Xq11.1.
Variant type: single nucleotide variant.
Coding change: c.223C>A on transcript NM_001353921.2 (MANE Select); coding-DNA position 223, C replaced by A.
Protein change: p.Gln75Lys; replaces glutamine 75 with lysine.
Molecular consequence: missense variant. On other transcripts: 5 prime UTR variant (3).
Genome position (GRCh38, 1-based): chrX:63,706,437, G>T on the plus strand (C>A on the coding strand, the complement: ARHGEF9 is on the minus strand). VCF-style: chrX-63706437-G-T. GRCh37 (hg19) VCF-style: chrX-62926317-G-T.
Other names: c.43C>A, p.Gln15Lys (NM_001173479.2); c.-105C>A (NM_001173480.2, NM_001369042.1); c.139C>A, p.Gln47Lys (NM_001330495.2, NM_001353927.2, NM_001369033.1 and 8 more transcripts); c.223C>A, p.Gln75Lys (NM_001353922.2); c.241C>A, p.Gln81Lys (NM_001353923.1); c.22C>A, p.Gln8Lys (NM_001353924.2, NM_001353926.2, NM_001369039.1 and 1 more transcripts); c.202C>A, p.Gln68Lys (NM_001353928.2, NM_001369030.1, NM_001369031.1 and 2 more transcripts); c.-481C>A (NM_001369045.1); short protein forms Q75K, Q15K, Q47K, Q81K, Q68K, Q8K.
Identifiers: ClinVar variation 4709757 (VCV004709757.1).

ClinVar aggregate classification (germline): Uncertain significance (1 of 4 stars; one submission).

Conditions:
Developmental and epileptic encephalopathy, 8 (DEE8). Also called: HYPEREKPLEXIA AND EPILEPSY. Identifiers: Orphanet 163985, Orphanet 2076, MedGen C1845102, MONDO:0010375, OMIM 300607.

gnomAD v4.1: 2 of 1,206,005 alleles (0.00017%); highest among the groups gnomAD compares: South Asian, 0.0036%; no homozygotes.

Submission:

Labcorp Genetics (formerly Invitae), Labcorp
Classification: Uncertain significance for Developmental and epileptic encephalopathy, 8. Last evaluated: 2025-04-09. Review status: criteria provided, single submitter. Criteria: Invitae Variant Classification Sherloc (09022015). Collection method: clinical testing. Allele origin: germline.
Comment: This sequence change replaces glutamine, which is neutral and polar, with lysine, which is basic and polar, at codon 68 of the ARHGEF9 protein (p.Gln68Lys). This variant is not present in population databases (gnomAD no frequency). This variant has not been reported in the literature in individuals affected with ARHGEF9-related conditions. Invitae Evidence Modeling of protein sequence and biophysical properties (such as structural, functional, and spatial information, amino acid conservation, physicochemical variation, residue mobility, and thermodynamic stability) has been performed for this missense variant. However, the output from this modeling did not meet the statistical confidence thresholds required to predict the impact of this variant on ARHGEF9 protein function. In summary, the available evidence is currently insufficient to determine the role of this variant in disease. Therefore, it has been classified as a Variant of Uncertain Significance.